The following is an entry in ClinVar:

ClinVar aggregate classification (germline): Uncertain significance. Review status: criteria provided, multiple submitters, no conflicts (2 of 4 stars). 4 submissions from 4 submitters: Uncertain significance (4). Last evaluated 2026-03-06.

Conditions:
Familial encephalopathy with neuroserpin inclusion bodies. Also called: ENCEPHALOPATHY, FAMILIAL, WITH COLLINS BODIES. Identifiers: Orphanet 85110, MedGen C1858680, MONDO:0011412, OMIM 604218.
Inborn genetic diseases. Identifiers: MedGen C0950123, MeSH D030342.

Allele frequency attached by ClinVar (database versions not stated): gnomAD 0.00003; gnomAD exomes 0.00002; ExAC 0.00003; TOPMed 0.00003.
gnomAD v4.1: 24 of 1,613,710 alleles (0.0015%); highest among the groups gnomAD compares: East Asian, 0.0089%; no homozygotes.

Submissions (4):

Dasa
Classification: Uncertain significance. Last evaluated: 2026-03-06. Review status: criteria provided, single submitter. Criteria: DASA Assertion Criteria. Collection method: clinical testing. Allele origin: germline.
Comment: NM_001122752.2(SERPINI1):c.439G>A (p.Val147Met) is a missense variant that results in the substitution of valine with methionine. This variant is rare in population databases. Computational prediction algorithms are consistent with a deleterious effect. The currently available literature and clinical evidence are not sufficient to establish a definitive association between this variant and the reported condition. Therefore, this variant is classified as a variant of uncertain significance.

Ambry Genetics
Classification: Uncertain significance for Inborn genetic diseases. Last evaluated: 2024-10-29. Review status: criteria provided, single submitter. Criteria: Ambry Variant Classification Scheme 2023. Collection method: clinical testing. Allele origin: germline.

Labcorp Genetics (formerly Invitae), Labcorp
Classification: Uncertain significance for Familial encephalopathy with neuroserpin inclusion bodies. Last evaluated: 2023-04-25. Review status: criteria provided, single submitter. Criteria: Invitae Variant Classification Sherloc (09022015). Collection method: clinical testing. Allele origin: germline.
Comment: In summary, the available evidence is currently insufficient to determine the role of this variant in disease. Therefore, it has been classified as a Variant of Uncertain Significance. Advanced modeling of protein sequence and biophysical properties (such as structural, functional, and spatial information, amino acid conservation, physicochemical variation, residue mobility, and thermodynamic stability) performed at Invitae indicates that this missense variant is not expected to disrupt SERPINI1 protein function. ClinVar contains an entry for this variant (Variation ID: 575480). This variant has not been reported in the literature in individuals affected with SERPINI1-related conditions. This variant is present in population databases (rs772999261, gnomAD 0.01%). This sequence change replaces valine, which is neutral and non-polar, with methionine, which is neutral and non-polar, at codon 147 of the SERPINI1 protein (p.Val147Met).

New York Genome Center
Classification: Uncertain significance for Familial encephalopathy with neuroserpin inclusion bodies. Last evaluated: 2020-08-26. Review status: criteria provided, single submitter. Criteria: NYGC Assertion Criteria 2020. Collection method: clinical testing. Allele origin: inherited. Observed: 1 heterozygote. Study: CSER-NYCKidSeq.

NM_001122752.2(SERPINI1):c.439G>A (p.Val147Met)

Gene: SERPINI1 (serpin family I member 1; plus strand). Cytogenetic location: 3q26.1.
Variant type: single nucleotide variant.
Coding change: c.439G>A on transcript NM_001122752.2 (MANE Select); coding-DNA position 439, G replaced by A.
Protein change: p.Val147Met; replaces valine 147 with methionine.
Molecular consequence: missense variant.
Genome position (GRCh38, 1-based): chr3:167,790,560, G>A. VCF-style: chr3-167790560-G-A. GRCh37 (hg19) VCF-style: chr3-167508348-G-A.
Other names: c.439G>A, p.Val147Met (NM_005025.5); short protein forms V147M.
Identifiers: ClinVar variation 575480 (VCV000575480.13), dbSNP rs772999261, ClinGen allele CA2694800.
Genomic context (GRCh38, chr3:167,790,560, plus strand): 5'-ATGATGAAAAAATATTTTAATGCAGCAGTAAATCATGTGGACTTCAGTCAAAATGTAGCC[G>A]TGGCCAACTACATCAATAAGTGGGTGGAGAATAACACAAACAGTATGTCACTTGGTTCCT-3'
Protein context (NP_001116224.1, residues 137-157): NHVDFSQNVA[Val147Met]ANYINKWVEN